The following is an entry in ClinVar:

NM_000138.5(FBN1):c.2058_2063del (p.Ser687_Thr688del)

Gene: FBN1 (fibrillin 1; minus strand). Cytogenetic location: 15q21.1.
Variant type: Deletion.
Coding change: c.2058_2063del on transcript NM_000138.5 (MANE Select); coding-DNA positions 2058 to 2063, 6 bases deleted (CAGCAC; older notation c.2058_2063delCAGCAC).
Protein change: p.Ser687_Thr688del.
Molecular consequence: inframe deletion.
Genome position (GRCh38, 1-based): chr15:48,503,837-48,503,842, GTGCTG deleted on the plus strand (CAGCAC on the coding strand, the reverse complement: FBN1 is on the minus strand); deleting any 6 consecutive bases within chr15:48,503,837-48,503,843 gives the same sequence; the c. name uses the placement nearest the transcript's 3' end. VCF-style (leftmost placement, unchanged base first): chr15-48503836-AGTGCTG-A. GRCh37 (hg19) VCF-style: chr15-48796033-AGTGCTG-A.
Other names: c.2058_2063delCAGCAC (NM_000138.4).
Identifiers: ClinVar variation 200150 (VCV000200150.15), dbSNP rs794728298, ClinGen allele CA012763.

ClinVar aggregate classification (germline): Uncertain significance. Review status: criteria provided, multiple submitters, no conflicts (2 of 4 stars). 4 submissions from 4 submitters: Uncertain significance (4). Last evaluated 2025-03-22.

Conditions:
Marfan syndrome (MFS). Also called: MARFAN SYNDROME, TYPE I; FBN1-Related Marfan Syndrome; Marfan syndrome, classic; Marfan syndrome type 1; Marfan's syndrome. Identifiers: Orphanet 284963, Orphanet 558, MedGen C0024796, MONDO:0007947, OMIM 154700.
Familial thoracic aortic aneurysm and aortic dissection (TAAD). Also called: Thoracic aortic aneurysms and dissections. Identifiers: Orphanet 91387, MedGen C4707243, MONDO:0019625.

Submissions (4):

Labcorp Genetics (formerly Invitae), Labcorp
Classification: Uncertain significance for Marfan syndrome; Familial thoracic aortic aneurysm and aortic dissection. Last evaluated: 2025-03-22. Review status: criteria provided, single submitter. Criteria: Invitae Variant Classification Sherloc (09022015). Collection method: clinical testing. Allele origin: germline.
Comment: This variant, c.2058_2063del, results in the deletion of 2 amino acid(s) of the FBN1 protein (p.Ser687_Thr688del), but otherwise preserves the integrity of the reading frame. This variant is not present in population databases (gnomAD no frequency). This variant has been observed in individuals with clinical features of Marfan syndrome (external communication, internal data). ClinVar contains an entry for this variant (Variation ID: 200150). Experimental studies and prediction algorithms are not available or were not evaluated, and the functional significance of this variant is currently unknown. In summary, the available evidence is currently insufficient to determine the role of this variant in disease. Therefore, it has been classified as a Variant of Uncertain Significance.

Ambry Genetics
Classification: Uncertain significance for Familial thoracic aortic aneurysm and aortic dissection. Last evaluated: 2024-12-18. Review status: criteria provided, single submitter. Criteria: Ambry Variant Classification Scheme 2023. Collection method: clinical testing. Allele origin: germline.
Comment: The c.2058_2063delCAGCAC variant (also known as p.S687_T688del) is located in coding exon 16 of the FBN1 gene. This variant results from an in-frame CAGCAC deletion at nucleotide positions 2058 to 2063. This results in the deletion of two amino acids between codon 687 and 688. This amino acid region ranges from not well conserved to well conserved in available vertebrate species. In addition, this alteration is predicted to be deleterious by in silico analysis (Choi Y et al. PLoS ONE. 2012; 7(10):e46688). Since supporting evidence is limited at this time, the clinical significance of this alteration remains unclear.

GeneDx
Classification: Uncertain significance. Last evaluated: 2019-09-09. Review status: criteria provided, single submitter. Criteria: GeneDx Variant Classification Process June 2021. Collection method: clinical testing. Allele origin: germline. Affected: yes.
Comment: Not observed in large population cohorts (Lek et al., 2016); In silico analysis, which includes protein predictors and evolutionary conservation, supports a deleterious effect; Has not been previously published as pathogenic or benign to our knowledge; Reported in ClinVar but additional evidence is not available (ClinVar Variant ID# 200150; Landrum et al., 2016)

Center for Human Genetics, Inc
Classification: Uncertain significance for Marfan syndrome. Last evaluated: 2016-11-01. Review status: criteria provided, single submitter. Criteria: ACMG Guidelines, 2015. Collection method: clinical testing. Allele origin: germline. Affected: yes.